The following is an entry in ClinVar:

NM_000548.5(TSC2):c.2743-1G>A

Gene: TSC2 (TSC complex subunit 2; plus strand). Cytogenetic location: 16p13.3.
Variant type: single nucleotide variant.
Coding change: c.2743-1G>A on transcript NM_000548.5 (MANE Select); the canonical splice acceptor site of the intron before coding-DNA position 2743, G replaced by A.
Molecular consequence: splice acceptor variant.
Genome position (GRCh38, 1-based): chr16:2,076,490, G>A. VCF-style: chr16-2076490-G-A. GRCh37 (hg19) VCF-style: chr16-2126491-G-A.
Other names: c.1399-1G>A (NM_001406693.1, NM_001406689.1, NM_001406690.1 and 6 more transcripts); c.2833-1G>A (NM_001406667.1, NM_001406668.1); c.2143-1G>A (NM_001406680.1, NM_001406683.1, NM_001406687.1 and 6 more transcripts); c.1141-1G>A (NM_001406698.1); c.2743-1G>A (NM_001114382.3, NM_001406663.1, NM_001406664.1 and 6 more transcripts); c.2731-1G>A (NM_001406671.1, NM_001406673.1); c.2281-1G>A (NM_001406681.1); c.2632-1G>A (NM_001406670.1, NM_001318827.2, NM_001406678.1); and 3 more.
Identifiers: ClinVar variation 49560 (VCV000049560.11), dbSNP rs45517263, ClinGen allele CA018023.
Genomic context (GRCh38, chr16:2,076,490, plus strand): 5'-TGGTGAGGGCCTCCAGCCCCCATTGCCACCCCTCACTGTCTGGGTGTGCTCACTCTGCCA[G>A]GGCCTGCGGTCCAATGTCCTCTTGTCTTTTGATGACACCCCCGAGAAGGACAGCTTCAGG-3'

ClinVar aggregate classification (germline): Pathogenic. Review status: criteria provided, multiple submitters, no conflicts (2 of 4 stars). 4 submissions from 4 submitters: Pathogenic (3). 1 of the submissions does not count toward it. Last evaluated 2024-11-26.

Conditions:
Hereditary cancer-predisposing syndrome. Also called: Neoplastic Syndromes, Hereditary; Tumor predisposition; Hereditary Cancer Syndrome; Hereditary neoplastic syndrome. Identifiers: Orphanet 140162, MedGen C0027672, MeSH D009386, MONDO:0015356.
Tuberous sclerosis 2 (TSC2). Identifiers: Orphanet 805, MedGen C1860707, MONDO:0013199, OMIM 613254.
Tuberous sclerosis syndrome (TSC). Also called: Tuberous Sclerosis Complex; Tuberous sclerosis. Identifiers: Orphanet 805, MedGen C0041341, MONDO:0001734.

Submissions (4):

Labcorp Genetics (formerly Invitae), Labcorp
Classification: Pathogenic for Tuberous sclerosis 2. Last evaluated: 2024-11-26. Review status: criteria provided, single submitter. Criteria: Invitae Variant Classification Sherloc (09022015). Collection method: clinical testing. Allele origin: germline.
Comment: This sequence change affects an acceptor splice site in intron 24 of the TSC2 gene. It is expected to disrupt RNA splicing. Variants that disrupt the donor or acceptor splice site typically lead to a loss of protein function (PMID: 16199547), and loss-of-function variants in TSC2 are known to be pathogenic (PMID: 10205261, 17304050). This variant is not present in population databases (gnomAD no frequency). Disruption of this splice site has been observed in individuals with tuberous sclerosis (PMID: 12111193). ClinVar contains an entry for this variant (Variation ID: 49560). Algorithms developed to predict the effect of sequence changes on RNA splicing suggest that this variant may disrupt the consensus splice site. For these reasons, this variant has been classified as Pathogenic.

GeneDx
Classification: Pathogenic. Last evaluated: 2024-08-20. Review status: criteria provided, single submitter. Criteria: GeneDx Variant Classification Process June 2021. Collection method: clinical testing. Allele origin: germline. Affected: yes.
Comment: Canonical splice site variant predicted to result in a null allele in a gene for which loss of function is a known mechanism of disease; Not observed at significant frequency in large population cohorts (gnomAD); This variant is associated with the following publications: (PMID: 17304050)

Ambry Genetics
Classification: Pathogenic for Hereditary cancer-predisposing syndrome. Last evaluated: 2018-06-19. Review status: criteria provided, single submitter. Criteria: Ambry Variant Classification Scheme 2023. Collection method: clinical testing. Allele origin: germline.
Comment: The c.2743-1G>A intronic pathogenic mutation results from a G to A substitution one nucleotide upstream from coding exon 24 of the TSC2 gene. This mutation was identified in an individual with seizures, skin findings including hypomelanotic macules, facial angiofibromas, confetti like hypopigmented macules, and shagreen patches, adenoma sebaceum, and ungual fibromas. In addition, a cell line from this individual demonstrated radiosensitivity (Au KS et al. Genet. Med., 2007 Feb;9:88-100; Ferlazzo ML et al. Mol. Neurobiol., 2018 Jun;55:4973-4983). Alterations that disrupt the canonical splice site are expected to cause aberrant splicing, resulting in an abnormal protein or a transcript that is subject to nonsense-mediated mRNA decay. As such, this alteration is classified as a disease-causing mutation.

Tuberous sclerosis database (TSC2)
No classification provided. Condition: TSC. Review status: no classification provided. Criteria: Tuberous Sclerosis Database Assertion Criteria 2015. Collection method: curation. Allele origin: germline. Affected: yes. Not counted in ClinVar's aggregate classification.

Literature cited by the submitters: PubMed 16199547 (cited by Labcorp Genetics (formerly Invitae), Labcorp); PubMed 10205261 (cited by Labcorp Genetics (formerly Invitae), Labcorp); PubMed 17304050 (cited by Labcorp Genetics (formerly Invitae), Labcorp and Ambry Genetics); PubMed 12111193 (cited by Labcorp Genetics (formerly Invitae), Labcorp); PubMed 28786016 (cited by Ambry Genetics).